The following is an entry in ClinVar:

NM_007327.4(GRIN1):c.991G>A (p.Ala331Thr)

Gene: GRIN1 (glutamate ionotropic receptor NMDA type subunit 1; plus strand). Cytogenetic location: 9q34.3.
Variant type: single nucleotide variant.
Coding change: c.991G>A on transcript NM_007327.4 (MANE Select); coding-DNA position 991, G replaced by A.
Protein change: p.Ala331Thr; replaces alanine 331 with threonine.
Molecular consequence: missense variant.
Genome position (GRCh38, 1-based): chr9:137,158,401, G>A. VCF-style: chr9-137158401-G-A. GRCh37 (hg19) VCF-style: chr9-140052853-G-A.
Other names: c.991G>A, p.Ala331Thr (NM_000832.7, NM_021569.4); c.1054G>A, p.Ala352Thr (NM_001185090.2, NM_001185091.2); short protein forms A331T, A352T.
Identifiers: ClinVar variation 2853929 (VCV002853929.3), dbSNP rs2538607952, ClinGen allele CA375715337.

ClinVar aggregate classification (germline): Uncertain significance (1 of 4 stars; one submission).

Conditions:
Neurodevelopmental disorder with or without hyperkinetic movements and seizures, autosomal dominant. Also called: Intellectual disability, autosomal dominant 8. Identifiers: MedGen C3280282, MONDO:0013655, OMIM 614254.

Submission:

Labcorp Genetics (formerly Invitae), Labcorp
Classification: Uncertain significance for Neurodevelopmental disorder with or without hyperkinetic movements and seizures, autosomal dominant. Last evaluated: 2023-04-09. Review status: criteria provided, single submitter. Criteria: Invitae Variant Classification Sherloc (09022015). Collection method: clinical testing. Allele origin: germline.
Comment: In summary, the available evidence is currently insufficient to determine the role of this variant in disease. Therefore, it has been classified as a Variant of Uncertain Significance. Advanced modeling of protein sequence and biophysical properties (such as structural, functional, and spatial information, amino acid conservation, physicochemical variation, residue mobility, and thermodynamic stability) has been performed at Invitae for this missense variant, however the output from this modeling did not meet the statistical confidence thresholds required to predict the impact of this variant on GRIN1 protein function. This variant has not been reported in the literature in individuals affected with GRIN1-related conditions. This variant is not present in population databases (gnomAD no frequency). This sequence change replaces alanine, which is neutral and non-polar, with threonine, which is neutral and polar, at codon 331 of the GRIN1 protein (p.Ala331Thr).